The following is an entry in ClinVar:

NM_003719.5(PDE8B):c.858C>T (p.Ser286=)

Gene: PDE8B (phosphodiesterase 8B; plus strand). Cytogenetic location: 5q13.3.
Variant type: single nucleotide variant.
Coding change: c.858C>T on transcript NM_003719.5 (MANE Select); coding-DNA position 858, C replaced by T.
Protein change: p.Ser286=; no amino-acid change (serine 286 retained).
Molecular consequence: synonymous variant.
Genome position (GRCh38, 1-based): chr5:77,344,913, C>T. VCF-style: chr5-77344913-C-T. GRCh37 (hg19) VCF-style: chr5-76640738-C-T.
Other names: p.Ser286=; c.858C>T, p.Ser286= (NM_001029851.4, NM_001029852.4, NM_001029854.4 and 2 more transcripts); c.798C>T, p.Ser266= (NM_001029853.4); c.855C>T, p.Ser285= (NM_001349748.3, NM_001349751.3, NM_001376065.1); c.921C>T, p.Ser307= (NM_001349749.3); c.618C>T, p.Ser206= (NM_001349750.3); c.552C>T, p.Ser184= (NM_001349752.3, NM_001376071.1); c.486C>T, p.Ser162= (NM_001349753.2, NM_001376067.1, NM_001376068.1 and 1 more transcripts); and 4 more.
Identifiers: ClinVar variation 354155 (VCV000354155.14), dbSNP rs575049091, ClinGen allele CA3315057.

ClinVar aggregate classification (germline): Benign. Review status: criteria provided, multiple submitters, no conflicts (2 of 4 stars). 4 submissions from 4 submitters: Benign (4). Last evaluated 2025-04-15.

Conditions:
Autosomal dominant striatal neurodegeneration type 1. Identifiers: Orphanet 228169, MedGen C4310808, MONDO:0012205, OMIM 609161.

Allele frequency attached by ClinVar (database versions not stated): ExAC 0.00064; gnomAD exomes 0.00048; gnomAD below 0.00001 and 0.00016; 1000 Genomes Project 30x 0.00141; TOPMed 0.00003; 1000 Genomes Project 0.00160.
gnomAD v4.1: 388 of 1,607,062 alleles (0.024%); highest among the groups gnomAD compares: South Asian, 0.39%; 3 homozygotes.

Submissions (4):

Mayo Clinic Laboratories, Mayo Clinic
Classification: Benign. Last evaluated: 2025-04-15. Review status: criteria provided, single submitter. Criteria: ACMG Guidelines, 2015. Collection method: clinical testing. Allele origin: germline. Observed: 1 variant allele.
Comment: BS1, BS2, BP4, BP7

Labcorp Genetics (formerly Invitae), Labcorp
Classification: Benign. Last evaluated: 2023-12-04. Review status: criteria provided, single submitter. Criteria: Invitae Variant Classification Sherloc (09022015). Collection method: clinical testing. Allele origin: germline.

Illumina Laboratory Services, Illumina
Classification: Benign for Autosomal dominant striatal neurodegeneration type 1. Last evaluated: 2018-01-13. Review status: criteria provided, single submitter. Criteria: ICSL Variant Classification Criteria 13 December 2019. Collection method: clinical testing. Allele origin: germline.
Comment: This variant was observed in the ICSL laboratory as part of a predisposition screen in an ostensibly healthy population. It had not been previously curated by ICSL or reported in the Human Gene Mutation Database (HGMD: prior to June 1st, 2018), and was therefore a candidate for classification through an automated scoring system. Utilizing variant allele frequency, disease prevalence and penetrance estimates, and inheritance mode, an automated score was calculated to assess if this variant is too frequent to cause the disease. Based on the score and internal cut-off values, a variant classified as benign is not then subjected to further curation. The score for this variant resulted in a classification of benign for this disease.

Breakthrough Genomics
Classification: Benign. Review status: criteria provided, single submitter. Criteria: ACMG Guidelines, 2015. Collection method: not provided. Allele origin: germline. Inheritance: Autosomal dominant inheritance. Affected: yes.